The following is an entry in ClinVar:

NM_003062.4(SLIT3):c.4455G>T (p.Gln1485His)

Gene: SLIT3 (slit guidance ligand 3; minus strand). Cytogenetic location: 5q34.
Variant type: single nucleotide variant.
Coding change: c.4455G>T on transcript NM_003062.4 (MANE Select); coding-DNA position 4455, G replaced by T.
Protein change: p.Gln1485His; replaces glutamine 1485 with histidine.
Molecular consequence: missense variant.
Genome position (GRCh38, 1-based): chr5:168,666,571, C>A on the plus strand (G>T on the coding strand, the complement: SLIT3 is on the minus strand). VCF-style: chr5-168666571-C-A. GRCh37 (hg19) VCF-style: chr5-168093576-C-A.
Other names: c.4476G>T, p.Gln1492His (NM_001271946.2); short protein forms Q1485H, Q1492H.
Identifiers: ClinVar variation 2635033 (VCV002635033.1), dbSNP rs1761053731, ClinGen allele CA362085221.

ClinVar aggregate classification (germline): Uncertain significance (1 of 4 stars; one submission).

Conditions:
SLIT3-related disorder. Also called: SLIT3-related condition.

Allele frequency attached by ClinVar (database versions not stated): TOPMed below 0.00001.

Submission:

PreventionGenetics, part of Exact Sciences
Classification: Uncertain significance for SLIT3-related condition. Last evaluated: 2022-11-04. Review status: criteria provided, single submitter. Criteria: ACMG Guidelines, 2015. Collection method: clinical testing. Allele origin: germline.
Comment: The SLIT3 c.4476G>T variant is predicted to result in the amino acid substitution p.Gln1492His. To our knowledge, this variant has not been reported in the literature or in a large population database, indicating this variant is rare. At this time, the clinical significance of this variant is uncertain due to the absence of conclusive functional and genetic evidence.